The following is an entry in ClinVar:

NM_052854.3(CREB3L1):c.1525dup

Gene: CREB3L1 (cAMP responsive element binding protein 3 like 1; plus strand). Cytogenetic location: 11p11.2.
Variant type: Duplication.
Coding change: c.1525dup on transcript NM_052854.3; coding-DNA position 1525, one base duplicated (G; older notation c.1525dupG).
Molecular consequence: intron variant (on NM_001425266.1).
Genome position (GRCh38, 1-based): chr11:46,320,711, G duplicated; the last of 3 consecutive G bases (chr11:46,320,709-46,320,711); duplicating any one gives the same sequence. VCF-style (leftmost placement, unchanged base first): chr11-46320708-A-AG. GRCh37 (hg19) VCF-style: chr11-46342259-A-AGG.
Other names: p.Asp509GlyfsX156; c.1525dupG (NM_052854.3); c.1524-36dup (NM_001425266.1).
Identifiers: ClinVar variation 402564 (VCV000402564.21), dbSNP rs79068197, ClinGen allele CA221603525.

ClinVar aggregate classification (germline): Benign. Review status: criteria provided, multiple submitters, no conflicts (2 of 4 stars). 7 submissions from 7 submitters: Benign (5). 2 of the submissions do not count toward it. Last evaluated 2026-02-04.

Conditions:
Osteogenesis imperfecta type 16. Also called: OI, TYPE XVI; Osteogenesis imperfecta, type xvi. Identifiers: Orphanet 666, MedGen C4015610, MONDO:0014544, OMIM 616229.

Submissions (7):

Labcorp Genetics (formerly Invitae), Labcorp
Classification: Benign. Last evaluated: 2026-02-04. Review status: criteria provided, single submitter. Criteria: Invitae Variant Classification Sherloc (09022015). Collection method: clinical testing. Allele origin: germline.

Blueprint Genetics
Classification: Benign. Last evaluated: 2024-11-27. Review status: criteria provided, single submitter. Criteria: ACMG Guidelines, 2015. Collection method: clinical testing. Allele origin: germline.

Genome-Nilou Lab
Classification: Benign for Osteogenesis imperfecta type 16. Last evaluated: 2021-07-30. Review status: criteria provided, single submitter. Criteria: ACMG Guidelines, 2015. Collection method: clinical testing. Allele origin: germline. Affected: no.

GeneDx
Classification: Benign. Last evaluated: 2021-03-17. Review status: criteria provided, single submitter. Criteria: GeneDx Variant Classification Process June 2021. Collection method: clinical testing. Allele origin: germline. Affected: yes.

Laboratory for Molecular Medicine, Mass General Brigham Personalized Medicine
Classification: Benign. Last evaluated: 2016-03-29. Review status: criteria provided, single submitter. Criteria: LMM Criteria. Collection method: clinical testing. Allele origin: germline.
Comment: Variant identified in a genome or exome case(s) and assessed due to predicted null impact of the variant or pathogenic assertions in the literature or databases. Disclaimer: This variant has not undergone full assessment. The following are preliminary notes: Frequency in ESP (all): 11819/111824=99.9%

Genome Diagnostics Laboratory, Amsterdam University Medical Center
Classification: Benign. Review status: no assertion criteria provided. Collection method: clinical testing. Allele origin: germline. Affected: yes. Study: VKGL Data-share Consensus. Not counted in ClinVar's aggregate classification.

Laboratory of Diagnostic Genome Analysis, Leiden University Medical Center (LUMC)
Classification: Benign. Review status: no assertion criteria provided. Collection method: clinical testing. Allele origin: germline. Affected: yes. Study: VKGL Data-share Consensus. Not counted in ClinVar's aggregate classification.